The following is an entry in ClinVar:

NM_006031.6(PCNT):c.9940C>T (p.Gln3314Ter)

Gene: PCNT (pericentrin; plus strand). Cytogenetic location: 21q22.3.
Variant type: single nucleotide variant.
Coding change: c.9940C>T on transcript NM_006031.6 (MANE Select); coding-DNA position 9940, C replaced by T.
Protein change: p.Gln3314Ter; replaces glutamine 3314 with a stop codon.
Molecular consequence: nonsense.
Genome position (GRCh38, 1-based): chr21:46,444,794, C>T. VCF-style: chr21-46444794-C-T. GRCh37 (hg19) VCF-style: chr21-47864707-C-T.
Other names: c.9349C>T, p.Gln3117Ter (NM_001315529.2); short protein forms Q3117*, Q3314*.
Identifiers: ClinVar variation 3052117 (VCV003052117.3), dbSNP rs375351803, ClinGen allele CA10081553.

ClinVar aggregate classification (germline): Uncertain significance (1 of 4 stars; one submission).

Conditions:
PCNT-related disorder. Also called: PCNT-related condition.

Allele frequency attached by ClinVar (database versions not stated): gnomAD exomes below 0.00001; ExAC 0.00002; TOPMed 0.00002; gnomAD 0.00004; ESP Exome Variant Server 0.00023.
gnomAD v4.1: 7 of 1,613,254 alleles (0.00043%); highest among the groups gnomAD compares: African/African-American, 0.008%; no homozygotes.

Submission:

PreventionGenetics, part of Exact Sciences
Classification: Uncertain significance for PCNT-related condition. Last evaluated: 2025-12-04. Review status: criteria provided, single submitter. Criteria: ACMG Guidelines, 2015. Collection method: clinical testing. Allele origin: germline.
Comment: The PCNT c.9940C>T variant is predicted to result in premature protein termination (p.Gln3314*). To our knowledge, this variant has not been reported in the literature. This variant is reported in 0.012% of alleles in individuals of African descent in gnomAD. Protein truncating variants in PCNT have been reported as pathogenic; however, all documented truncating variants occur upstream of amino acid 3314 (the normal stop codon is at 3337). Although we suspect that this variant may be pathogenic, at this time, the clinical significance of this variant is uncertain due to the absence of conclusive functional and genetic evidence.